The following is an entry in ClinVar:

NM_020884.7(MYH7B):c.5628C>G (p.Asp1876Glu)

Gene: MYH7B (myosin heavy chain 7B; plus strand). Cytogenetic location: 20q11.22.
Variant type: single nucleotide variant.
Coding change: c.5628C>G on transcript NM_020884.7 (MANE Select); coding-DNA position 5628, C replaced by G.
Protein change: p.Asp1876Glu; replaces aspartic acid 1876 with glutamic acid.
Molecular consequence: missense variant.
Genome position (GRCh38, 1-based): chr20:35,001,478, C>G. VCF-style: chr20-35001478-C-G. GRCh37 (hg19) VCF-style: chr20-33589281-C-G.
Other names: short protein forms D1876E.
Identifiers: ClinVar variation 2417230 (VCV002417230.6), dbSNP rs775995698, ClinGen allele CA9828667.

ClinVar aggregate classification (germline): Uncertain significance (1 of 4 stars; one submission).

Allele frequency attached by ClinVar (database versions not stated): ExAC 0.00003; gnomAD 0.00003; TOPMed 0.00003; gnomAD exomes 0.00005.
gnomAD v4.1: 80 of 1,610,318 alleles (0.005%); highest among the groups gnomAD compares: Non-Finnish European, 0.0064%; no homozygotes.

Submission:

Labcorp Genetics (formerly Invitae), Labcorp
Classification: Uncertain significance. Last evaluated: 2021-12-02. Review status: criteria provided, single submitter. Criteria: Invitae Variant Classification Sherloc (09022015). Collection method: clinical testing. Allele origin: germline.
Comment: This variant is present in population databases (rs775995698, gnomAD 0.004%). In summary, the available evidence is currently insufficient to determine the role of this variant in disease. Therefore, it has been classified as a Variant of Uncertain Significance. Algorithms developed to predict the effect of missense changes on protein structure and function output the following: SIFT: "Tolerated"; PolyPhen-2: "Benign"; Align-GVGD: "Class C0". The glutamic acid amino acid residue is found in multiple mammalian species, which suggests that this missense change does not adversely affect protein function. This variant has not been reported in the literature in individuals affected with MYH7B-related conditions. This sequence change replaces aspartic acid, which is acidic and polar, with glutamic acid, which is acidic and polar, at codon 1918 of the MYH7B protein (p.Asp1918Glu).